The following is an entry in ClinVar:

ClinVar aggregate classification (germline): Uncertain significance (1 of 4 stars; one submission).

gnomAD v4.1: 1 of 1,614,092 alleles (0.000062%); highest among the groups gnomAD compares: African/African-American, 0.0013%; no homozygotes.

Submission:

Dasa
Classification: Uncertain significance. Last evaluated: 2025-07-13. Review status: criteria provided, single submitter. Criteria: DASA Assertion Criteria. Collection method: clinical testing. Allele origin: germline.
Comment: NM_016604.4(KDM3B):c.4803G>T (p.Gln1601His) is a missense variant that results in the substitution of glutamine with histidine. This variant is rare in population databases. Computational prediction algorithms are consistent with a benign effect. The currently available literature and clinical evidence are not sufficient to establish a definitive association between this variant and the reported condition. Therefore, this variant is classified as a variant of uncertain significance.

NM_016604.4(KDM3B):c.4803G>T (p.Gln1601His)

Gene: KDM3B (lysine demethylase 3B; plus strand). Cytogenetic location: 5q31.2.
Variant type: single nucleotide variant.
Coding change: c.4803G>T on transcript NM_016604.4 (MANE Select); coding-DNA position 4803, G replaced by T.
Protein change: p.Gln1601His; replaces glutamine 1601 with histidine.
Molecular consequence: missense variant.
Genome position (GRCh38, 1-based): chr5:138,429,875, G>T. VCF-style: chr5-138429875-G-T. GRCh37 (hg19) VCF-style: chr5-137765564-G-T.
Other names: short protein forms Q1601H.
Identifiers: ClinVar variation 4886732 (VCV004886732.2).